The following is an entry in ClinVar:

NM_001365536.1(SCN9A):c.1602+5del

Genes: SCN9A (sodium voltage-gated channel alpha subunit 9; minus strand), SCN1A-AS1 (SCN1A and SCN9A antisense RNA 1; plus strand). Cytogenetic location: 2q24.3.
Variant type: Deletion.
Coding change: c.1602+5del on transcript NM_001365536.1 (MANE Select); 5 bases into the intron after coding-DNA position 1602, one base deleted (C; older notation c.1602+5delC).
Molecular consequence: intron variant.
Genome position (GRCh38, 1-based): chr2:166,286,331, G deleted on the plus strand (C on the coding strand, the reverse complement: SCN9A is on the minus strand); the first of 2 consecutive G bases (chr2:166,286,331-166,286,332); deleting either gives the same sequence. VCF-style (leftmost placement, unchanged base first): chr2-166286330-TG-T. GRCh37 (hg19) VCF-style: chr2-167142840-TG-T.
Other names: c.1602+5delC (NM_002977.3); c.1602+5del (NM_002977.4).
Identifiers: ClinVar variation 578185 (VCV000578185.11), dbSNP rs1488594635, ClinGen allele CA537656865.

ClinVar aggregate classification (germline): Uncertain significance. Review status: criteria provided, multiple submitters, no conflicts (2 of 4 stars). 2 submissions from 2 submitters: Uncertain significance (2). Last evaluated 2024-11-28.

Conditions:
Inborn genetic diseases. Identifiers: MedGen C0950123, MeSH D030342.
Neuropathy, hereditary sensory and autonomic, type 2A (HSAN2A). Also called: HSAN IIA; ACROOSTEOLYSIS, GIACCAI TYPE; ACROOSTEOLYSIS, NEUROGENIC; WNK1-Related HSAN2 (HSAN2A); MORVAN DISEASE; NEUROPATHY, CONGENITAL SENSORY. Identifiers: Orphanet 970, MedGen C2752089, MONDO:0024309, OMIM 201300.
Generalized epilepsy with febrile seizures plus, type 7 (GEFSP7). Also called: GEFS+, TYPE 7. Identifiers: Orphanet 36387, MedGen C2751778, MONDO:0013470, OMIM 613863.

Submissions (2):

Labcorp Genetics (formerly Invitae), Labcorp
Classification: Uncertain significance for Neuropathy, hereditary sensory and autonomic, type 2A; Generalized epilepsy with febrile seizures plus, type 7. Last evaluated: 2024-11-28. Review status: criteria provided, single submitter. Criteria: Invitae Variant Classification Sherloc (09022015). Collection method: clinical testing. Allele origin: germline.
Comment: This sequence change falls in intron 11 of the SCN9A gene. It does not directly change the encoded amino acid sequence of the SCN9A protein. It affects a nucleotide within the consensus splice site. This variant is present in population databases (no rsID available, gnomAD 0.0009%). This variant has not been reported in the literature in individuals affected with SCN9A-related conditions. ClinVar contains an entry for this variant (Variation ID: 578185). Variants that disrupt the consensus splice site are a relatively common cause of aberrant splicing (PMID: 17576681, 9536098). Algorithms developed to predict the effect of sequence changes on RNA splicing suggest that this variant is not likely to affect RNA splicing. In summary, the available evidence is currently insufficient to determine the role of this variant in disease. Therefore, it has been classified as a Variant of Uncertain Significance.

Ambry Genetics
Classification: Uncertain significance for Inborn genetic diseases. Last evaluated: 2019-11-19. Review status: criteria provided, single submitter. Criteria: Ambry Variant Classification Scheme 2023. Collection method: clinical testing. Allele origin: germline.
Comment: The c.1602+5delC intronic variant, located in intron 10 of the SCN9A gene, results from a deletion of one nucleotide within intron 10 of the SCN9A gene. This nucleotide position is not well conserved in available vertebrate species. Using the BDGP and ESEfinder splice site prediction tools, this alteration is not predicted to have any significant effect on this splice donor site; however, direct evidence is unavailable. Since supporting evidence is limited at this time, the clinical significance of this alteration remains unclear.

Literature cited by the submitters: PubMed 17576681 (cited by Labcorp Genetics (formerly Invitae), Labcorp); PubMed 9536098 (cited by Labcorp Genetics (formerly Invitae), Labcorp).